The following is an entry in ClinVar:

NM_032237.5(POMK):c.49G>T (p.Val17Leu)

Gene: POMK (protein O-mannose kinase; plus strand). Cytogenetic location: 8p11.21.
Variant type: single nucleotide variant.
Coding change: c.49G>T on transcript NM_032237.5 (MANE Select); coding-DNA position 49, G replaced by T.
Protein change: p.Val17Leu; replaces valine 17 with leucine.
Molecular consequence: missense variant.
Genome position (GRCh38, 1-based): chr8:43,103,597, G>T. VCF-style: chr8-43103597-G-T. GRCh37 (hg19) VCF-style: chr8-42958740-G-T.
Other names: c.49G>T, p.Val17Leu (NM_001277971.2); c.49G>T (NM_032237.4); short protein forms V17L.
Identifiers: ClinVar variation 1424147 (VCV001424147.12), dbSNP rs1811486866, ClinGen allele CA371116648.

ClinVar aggregate classification (germline): Uncertain significance. Review status: criteria provided, multiple submitters, no conflicts (2 of 4 stars). 2 submissions from 2 submitters: Uncertain significance (2). Last evaluated 2020-11-04.

Conditions:
Muscular dystrophy-dystroglycanopathy (congenital with brain and eye anomalies), type a, 12 (MDDGA12). Also called: WALKER-WARBURG SYNDROME OR MUSCLE-EYE-BRAIN DISEASE, POMK-RELATED. Identifiers: Orphanet 899, MedGen C3808964, MONDO:0014101, OMIM 615249.
Limb-girdle muscular dystrophy due to POMK deficiency. Also called: Muscular dystrophy-dystroglycanopathy (limb-girdle), type c, 12; MUSCULAR DYSTROPHY-DYSTROGLYCANOPATHY, LIMB-GIRDLE, POMK-RELATED. Identifiers: Orphanet 445110, MedGen C4015184, MONDO:0014489, OMIM 616094.

Allele frequency attached by ClinVar (database versions not stated): gnomAD 0.00001.

Submissions (2):

Labcorp Genetics (formerly Invitae), Labcorp
Classification: Uncertain significance for Muscular dystrophy-dystroglycanopathy (congenital with brain and eye anomalies), type a, 12; Limb-girdle muscular dystrophy due to POMK deficiency. Last evaluated: 2020-11-04. Review status: criteria provided, single submitter. Criteria: Invitae Variant Classification Sherloc (09022015). Collection method: clinical testing. Allele origin: germline.
Comment: This variant has not been reported in the literature in individuals with POMK-related conditions. This sequence change replaces valine with leucine at codon 17 of the POMK protein (p.Val17Leu). The valine residue is weakly conserved and there is a small physicochemical difference between valine and leucine. This variant is not present in population databases (ExAC no frequency). Algorithms developed to predict the effect of missense changes on protein structure and function output the following: SIFT: "Tolerated"; PolyPhen-2: "Benign"; Align-GVGD: "Class C0". The leucine amino acid residue is found in multiple mammalian species, suggesting that this missense change does not adversely affect protein function. These predictions have not been confirmed by published functional studies and their clinical significance is uncertain. In summary, the available evidence is currently insufficient to determine the role of this variant in disease. Therefore, it has been classified as a Variant of Uncertain Significance.

Revvity Omics, Revvity
Classification: Uncertain significance. Last evaluated: 2020-08-18. Review status: criteria provided, single submitter. Criteria: ACMG Guidelines, 2015. Collection method: clinical testing. Allele origin: germline.